The following is an entry in ClinVar:

NM_000419.5(ITGA2B):c.2363C>A (p.Ala788Asp)

Gene: ITGA2B (integrin subunit alpha 2b; minus strand). Cytogenetic location: 17q21.31.
Variant type: single nucleotide variant.
Coding change: c.2363C>A on transcript NM_000419.5 (MANE Select); coding-DNA position 2363, C replaced by A.
Protein change: p.Ala788Asp; replaces alanine 788 with aspartic acid.
Molecular consequence: missense variant.
Genome position (GRCh38, 1-based): chr17:44,376,170, G>T on the plus strand (C>A on the coding strand, the complement: ITGA2B is on the minus strand). VCF-style: chr17-44376170-G-T. GRCh37 (hg19) VCF-style: chr17-42453538-G-T.
Other names: NM_000419.5(ITGA2B):c.2363C>A; p.Ala788Asp; c.2363C>A (LRG_479t1); short protein forms A788D.
Identifiers: ClinVar variation 323546 (VCV000323546.15), dbSNP rs142445733, ClinGen allele CA8602704.

ClinVar aggregate classification (germline): Uncertain significance. Review status: reviewed by expert panel (3 of 4 stars). 7 submissions from 7 submitters: Uncertain significance (1). 6 of the submissions do not count toward it. Last evaluated 2023-11-02.

Conditions:
Glanzmann thrombasthenia. Also called: THROMBASTHENIA OF GLANZMANN AND NAEGELI; Glanzmann's thrombasthenia; PLATELET GLYCOPROTEIN IIb-IIIa DEFICIENCY; Thrombasthenia. Identifiers: Orphanet 849, MedGen C0040015, MONDO:0100326.

Allele frequency attached by ClinVar (database versions not stated): 1000 Genomes Project 30x 0.00016; gnomAD 0.00021 and 0.00024; gnomAD exomes 0.00027 and 0.00061; ExAC 0.00033; TOPMed 0.00033; ESP Exome Variant Server 0.00069.
gnomAD v4.1: 926 of 1,614,158 alleles (0.057%); highest among the groups gnomAD compares: Non-Finnish European, 0.072%; 1 homozygote.

Submissions (7):

ClinGen Platelet Disorders Variant Curation Expert Panel, ClinGen
Classification: Uncertain significance for Glanzmann thrombasthenia. Last evaluated: 2023-11-02. Review status: reviewed by expert panel. Criteria: ClinGen Platelet ACMG Specifications v2-1. Collection method: curation. Allele origin: germline. Inheritance: Autosomal recessive inheritance.
Comment: The c.2363C>A variant in ITGA2B is a missense variant predicted to cause substitution of Alanine by Aspartic Acid at amino acid 788 (p.Ala788Asp). The computational predictor REVEL gives a score of 0.179, which is below the ClinGen PD VCEP threshold of <0.25 and predicts no damaging effect on ITGA2B function (BP4). This variant was observed by Illumina as part of a predisposition screen in an ostensibly healthy population, however, no cases of the variant segregating with Glanzmann thrombasthenia were found in the literature. In summary, this variant meets the criteria to be classified as VUS for autosomal recessive Glanzmann Thrombasthenia based on the ACMG/AMP criteria applied, as specified by the ClinGen PD VCEP: BP4 (VCEP specifications version 2)

Women's Health and Genetics/Laboratory Corporation of America, LabCorp
Classification: Uncertain significance. Last evaluated: 2026-05-28. Review status: criteria provided, single submitter. Criteria: LabCorp Variant Classification Summary - May 2015. Collection method: clinical testing. Allele origin: germline. Not counted in ClinVar's aggregate classification.
Comment: Variant summary: ITGA2B c.2363C>A (p.Ala788Asp) results in a non-conservative amino acid change in the encoded protein sequence. Algorithms developed to predict the effect of missense changes on protein structure and function are either unavailable or do not agree on the potential impact of this missense change. The variant allele was found at a frequency of 0.00027 in 251418 control chromosomes. This frequency is not significantly higher than estimated for disease-causing variants in ITGA2B, allowing no conclusion about variant significance. c.2363C>A has been observed in the presumed heterozygous state in at least 1 individual(s) affected with nonsyndromic isolated thrombocytopenia, however several other individuals carrying this variant were in the control group (example, Guguen_2020). These report(s) do not provide unequivocal conclusions about association of the variant with disease. To our knowledge, no experimental evidence demonstrating an impact on protein function has been reported. The following publication has been ascertained in the context of this evaluation (PMID: 32757236). ClinVar contains an entry for this variant (Variation ID: 323546). Based on the evidence outlined above, the variant was classified as uncertain significance.

Labcorp Genetics (formerly Invitae), Labcorp
Classification: Uncertain significance for Glanzmann thrombasthenia. Last evaluated: 2025-07-17. Review status: criteria provided, single submitter. Criteria: Invitae Variant Classification Sherloc (09022015). Collection method: clinical testing. Allele origin: germline. Not counted in ClinVar's aggregate classification.
Comment: This sequence change replaces alanine, which is neutral and non-polar, with aspartic acid, which is acidic and polar, at codon 788 of the ITGA2B protein (p.Ala788Asp). This variant is present in population databases (rs142445733, gnomAD 0.08%). This variant has not been reported in the literature in individuals affected with ITGA2B-related conditions. ClinVar contains an entry for this variant (Variation ID: 323546). Invitae Evidence Modeling of protein sequence and biophysical properties (such as structural, functional, and spatial information, amino acid conservation, physicochemical variation, residue mobility, and thermodynamic stability) has been performed for this missense variant. However, the output from this modeling did not meet the statistical confidence thresholds required to predict the impact of this variant on ITGA2B protein function. In summary, the available evidence is currently insufficient to determine the role of this variant in disease. Therefore, it has been classified as a Variant of Uncertain Significance.

Blueprint Genetics
Classification: Uncertain significance. Last evaluated: 2024-09-10. Review status: criteria provided, single submitter. Criteria: ACMG Guidelines, 2015. Collection method: clinical testing. Allele origin: germline. Not counted in ClinVar's aggregate classification.

Centre for Clinical Genetics and Genomic Diagnostics, Zealand University Hospital
Classification: Uncertain significance. Last evaluated: 2024-02-06. Review status: criteria provided, single submitter. Criteria: ACMG Guidelines, 2015. Collection method: clinical testing. Allele origin: germline. Affected: yes. Not counted in ClinVar's aggregate classification.

Revvity Omics, Revvity
Classification: Uncertain significance. Last evaluated: 2023-08-08. Review status: criteria provided, single submitter. Criteria: ACMG Guidelines, 2015. Collection method: clinical testing. Allele origin: germline. Not counted in ClinVar's aggregate classification.

Illumina Laboratory Services, Illumina
Classification: Uncertain significance for Glanzmann thrombasthenia 1. Last evaluated: 2018-01-13. Review status: criteria provided, single submitter. Criteria: ICSL Variant Classification Criteria 13 December 2019. Collection method: clinical testing. Allele origin: germline. Not counted in ClinVar's aggregate classification.

Literature cited by the submitters: PubMed 32757236 (cited by Women's Health and Genetics/Laboratory Corporation of America, LabCorp).